The following is an entry in ClinVar:

NM_001270974.2(HYDIN):c.102A>G (p.Pro34=)

Gene: HYDIN (HYDIN axonemal central pair apparatus protein; minus strand). Cytogenetic location: 16q22.2.
Variant type: single nucleotide variant.
Coding change: c.102A>G on transcript NM_001270974.2 (MANE Select); coding-DNA position 102, A replaced by G.
Protein change: p.Pro34=; no amino-acid change (proline 34 retained).
Molecular consequence: synonymous variant.
Genome position (GRCh38, 1-based): chr16:71,186,794, T>C on the plus strand (A>G on the coding strand, the complement: HYDIN is on the minus strand). VCF-style: chr16-71186794-T-C. GRCh37 (hg19) VCF-style: chr16-71220697-T-C.
Other names: c.183A>G, p.Pro61= (NM_001198542.1); c.153A>G, p.Pro51= (NM_001198543.1); c.102A>G, p.Pro34= (NM_017558.5).
Identifiers: ClinVar variation 4875020 (VCV004875020.2).

ClinVar aggregate classification (germline): Likely benign (1 of 4 stars; one submission).

gnomAD v4.1: 1 of 1,613,550 alleles (0.000062%); no homozygotes.

Submission:

CeGaT Center for Human Genetics Tuebingen
Classification: Likely benign. Last evaluated: 2026-05-01. Review status: criteria provided, single submitter. Criteria: CeGaT Center For Human Genetics Tuebingen Variant Classification Criteria Version 2. Collection method: clinical testing. Allele origin: germline. Affected: yes. Observed: 1 variant allele.
Comment: HYDIN: BP4, BP7